The following is an entry in ClinVar:

ClinVar aggregate classification (germline): Conflicting classifications of pathogenicity. Review status: criteria provided, conflicting classifications (1 of 4 stars). 2 submissions from 2 submitters: Uncertain significance (1); Likely benign (1). Last evaluated 2024-06-22.

Conditions:
Hereditary cancer-predisposing syndrome. Also called: Hereditary neoplastic syndrome; Tumor predisposition; Hereditary Cancer Syndrome; Neoplastic Syndromes, Hereditary. Identifiers: Orphanet 140162, MedGen C0027672, MeSH D009386, MONDO:0015356.
Familial cancer of breast. Also called: hereditary breast carcinoma; Hereditary breast cancer; BREAST CANCER, FAMILIAL. Identifiers: Orphanet 227535, MedGen C0346153, MONDO:0016419, OMIM 114480. Disease mechanism: loss of function.

Allele frequency attached by ClinVar (database versions not stated): ExAC 0.00001.

Submissions (2):

Labcorp Genetics (formerly Invitae), Labcorp
Classification: Uncertain significance for Familial cancer of breast. Last evaluated: 2024-06-22. Review status: criteria provided, single submitter. Criteria: Invitae Variant Classification Sherloc (09022015). Collection method: clinical testing. Allele origin: germline.
Comment: This sequence change replaces asparagine, which is neutral and polar, with serine, which is neutral and polar, at codon 98 of the BARD1 protein (p.Asn98Ser). This variant is present in population databases (rs763707275, gnomAD 0.0009%). This variant has not been reported in the literature in individuals affected with BARD1-related conditions. ClinVar contains an entry for this variant (Variation ID: 219469). An algorithm developed to predict the effect of missense changes on protein structure and function (PolyPhen-2) suggests that this variant is likely to be disruptive. Experimental studies have shown that this missense change does not substantially affect BARD1 function (PMID: 30925164). In summary, the available evidence is currently insufficient to determine the role of this variant in disease. Therefore, it has been classified as a Variant of Uncertain Significance.

Ambry Genetics
Classification: Likely benign for Hereditary cancer-predisposing syndrome. Last evaluated: 2022-11-22. Review status: criteria provided, single submitter. Criteria: Ambry Variant Classification Scheme 2023. Collection method: clinical testing. Allele origin: germline.

Literature cited by the submitters: PubMed 30925164 (cited by Labcorp Genetics (formerly Invitae), Labcorp and Ambry Genetics).

NM_000465.4(BARD1):c.293A>G (p.Asn98Ser)

Gene: BARD1 (BRCA1 associated RING domain 1; minus strand). Cytogenetic location: 2q35.
Variant type: single nucleotide variant.
Coding change: c.293A>G on transcript NM_000465.4 (MANE Select); coding-DNA position 293, A replaced by G.
Protein change: p.Asn98Ser; replaces asparagine 98 with serine.
Molecular consequence: missense variant. On other transcripts: non-coding transcript variant (1), intron variant (2).
Genome position (GRCh38, 1-based): chr2:214,792,368, T>C on the plus strand (A>G on the coding strand, the complement: BARD1 is on the minus strand). VCF-style: chr2-214792368-T-C. GRCh37 (hg19) VCF-style: chr2-215657092-T-C.
Other names: c.236A>G, p.Asn79Ser (NM_001282543.2); c.293A>G, p.Asn98Ser (NM_001282549.2); c.158+17044A>G (NM_001282548.2); c.215+4693A>G (NM_001282545.2); short protein forms N98S, N79S.
Identifiers: ClinVar variation 219469 (VCV000219469.13), dbSNP rs763707275, ClinGen allele CA350831.